The following is an entry in ClinVar:

NM_001267550.2(TTN):c.67302T>A (p.Tyr22434Ter)

Genes: TTN-AS1 (TTN antisense RNA 1; plus strand), TTN (titin; minus strand). Cytogenetic location: 2q31.2.
Variant type: single nucleotide variant.
Coding change: c.67302T>A on transcript NM_001267550.2 (MANE Select); coding-DNA position 67302, T replaced by A.
Protein change: p.Tyr22434Ter; replaces tyrosine 22434 with a stop codon.
Molecular consequence: nonsense.
Genome position (GRCh38, 1-based): chr2:178,579,985, A>T on the plus strand (T>A on the coding strand, the complement: TTN is on the minus strand). VCF-style: chr2-178579985-A-T. GRCh37 (hg19) VCF-style: chr2-179444712-A-T.
Other names: c.62379T>A, p.Tyr20793Ter (NM_001256850.1); c.40107T>A, p.Tyr13369Ter (NM_003319.4); c.59598T>A, p.Tyr19866Ter (NM_133378.4); c.40482T>A, p.Tyr13494Ter (NM_133432.3); c.40683T>A, p.Tyr13561Ter (NM_133437.4); short protein forms Y13369*, Y13494*, Y13561*, Y19866*, Y20793*, Y22434*.
Identifiers: ClinVar variation 3756376 (VCV003756376.2).

ClinVar aggregate classification (germline): Likely pathogenic (1 of 4 stars; one submission).

Conditions:
Dilated cardiomyopathy 1G (CMD1G). Identifiers: Orphanet 154, MedGen C1858763, MONDO:0011400, OMIM 604145.
Autosomal recessive limb-girdle muscular dystrophy type 2J (LGMDR10). Also called: Limb-girdle muscular dystrophy, type 2J; MUSCULAR DYSTROPHY, LIMB-GIRDLE, AUTOSOMAL RECESSIVE 10. Identifiers: Orphanet 140922, MedGen C1837342, MONDO:0012127, OMIM 608807.

Submission:

Labcorp Genetics (formerly Invitae), Labcorp
Classification: Likely pathogenic for Dilated cardiomyopathy 1G; Autosomal recessive limb-girdle muscular dystrophy type 2J. Last evaluated: 2024-05-16. Review status: criteria provided, single submitter. Criteria: Invitae Variant Classification Sherloc (09022015). Collection method: clinical testing. Allele origin: germline.
Comment: This sequence change creates a premature translational stop signal (p.Tyr22434*) in the TTN gene. While this is not anticipated to result in nonsense mediated decay, it is expected to create a truncated TTN protein. This variant is not present in population databases (gnomAD no frequency). This variant has not been reported in the literature in individuals affected with TTN-related conditions. This variant is located in the A band of TTN (PMID: 25589632). Truncating variants in this region are significantly overrepresented in patients affected with dilated cardiomyopathy (PMID: 25589632). Truncating variants in this region have also been reported in individuals affected with autosomal recessive centronuclear myopathy (PMID: 23975875). In summary, the currently available evidence indicates that the variant is pathogenic, but additional data are needed to prove that conclusively. Therefore, this variant has been classified as Likely Pathogenic.

Literature cited by the submitters: PubMed 25589632; PubMed 23975875.